The following is an entry in ClinVar:

ClinVar aggregate classification (germline): Uncertain significance (1 of 4 stars; one submission).

Conditions:
Pyogenic arthritis-pyoderma gangrenosum-acne syndrome (PAPA). Also called: FAMILIAL RECURRENT ARTHRITIS; PAPA SYNDROME. Identifiers: Orphanet 69126, MedGen C1858361, MONDO:0011462, OMIM 604416.

gnomAD v4.1: 2 of 1,603,828 alleles (0.00012%); highest among the groups gnomAD compares: Non-Finnish European, 0.00017%; no homozygotes.

Submission:

Labcorp Genetics (formerly Invitae), Labcorp
Classification: Uncertain significance for Pyogenic arthritis-pyoderma gangrenosum-acne syndrome. Last evaluated: 2022-04-17. Review status: criteria provided, single submitter. Criteria: Invitae Variant Classification Sherloc (09022015). Collection method: clinical testing. Allele origin: germline.
Comment: In summary, the available evidence is currently insufficient to determine the role of this variant in disease. Therefore, it has been classified as a Variant of Uncertain Significance. Algorithms developed to predict the effect of missense changes on protein structure and function are either unavailable or do not agree on the potential impact of this missense change (SIFT: "Deleterious"; PolyPhen-2: "Benign"; Align-GVGD: "Class C0"). This variant has not been reported in the literature in individuals affected with PSTPIP1-related conditions. This variant is not present in population databases (gnomAD no frequency). This sequence change replaces valine, which is neutral and non-polar, with phenylalanine, which is neutral and non-polar, at codon 292 of the PSTPIP1 protein (p.Val292Phe).

NM_003978.5(PSTPIP1):c.874G>T (p.Val292Phe)

Gene: PSTPIP1 (proline-serine-threonine phosphatase interacting protein 1; plus strand). Cytogenetic location: 15q24.3.
Variant type: single nucleotide variant.
Coding change: c.874G>T on transcript NM_003978.5 (MANE Select); coding-DNA position 874, G replaced by T.
Protein change: p.Val292Phe; replaces valine 292 with phenylalanine.
Molecular consequence: missense variant. On other transcripts: intron variant (1).
Genome position (GRCh38, 1-based): chr15:77,032,897, G>T. VCF-style: chr15-77032897-G-T. GRCh37 (hg19) VCF-style: chr15-77325238-G-T.
Other names: c.847G>T, p.Val283Phe (NM_001321136.2); c.1069G>T, p.Val357Phe (NM_001321137.1); c.874G>T, p.Val292Phe (NM_001411086.1); c.872+469G>T (NM_001321135.2); short protein forms V283F, V292F, V357F.
Identifiers: ClinVar variation 1931406 (VCV001931406.5), dbSNP rs1462512883, ClinGen allele CA393521390.
Genomic context (GRCh38, chr15:77,032,897, plus strand): 5'-GGGGCTCACGGCTTGCTGTCTGCAGCTCCGGTGCCCTACCAGAACTATTACGATCGGGAG[G>T]TCACCCCGCTGACCAGCAGCCCTGGCATACAGCCGTCCTGCGGCATGATAAAGAGGTGAG-3'
Protein context (NP_003969.2, residues 282-302): VPYQNYYDRE[Val292Phe]TPLTSSPGIQ